The following is an entry in ClinVar:

NM_000218.3(KCNQ1):c.859G>T (p.Ala287Ser)

Gene: KCNQ1 (potassium voltage-gated channel subfamily Q member 1; plus strand). Cytogenetic location: 11p15.5.
Variant type: single nucleotide variant.
Coding change: c.859G>T on transcript NM_000218.3 (MANE Select); coding-DNA position 859, G replaced by T.
Protein change: p.Ala287Ser; replaces alanine 287 with serine.
Molecular consequence: missense variant.
Genome position (GRCh38, 1-based): chr11:2,572,924, G>T. VCF-style: chr11-2572924-G-T. GRCh37 (hg19) VCF-style: chr11-2594154-G-T.
Other names: c.859G>T, p.Ala287Ser (NM_001406836.1); c.589G>T, p.Ala197Ser (NM_001406837.1); c.478G>T, p.Ala160Ser (NM_181798.2); short protein forms A160S, A287S, A197S.
Identifiers: ClinVar variation 926686 (VCV000926686.17), dbSNP rs765665086, ClinGen allele CA040994.

ClinVar aggregate classification (germline): Uncertain significance. Review status: criteria provided, multiple submitters, no conflicts (2 of 4 stars). 6 submissions from 6 submitters: Uncertain significance (6). Last evaluated 2025-01-13.

Conditions:
Cardiac arrhythmia. Also called: Arrhythmia; Cardiac rhythm disease. Identifiers: MedGen C0003811, MONDO:0007263, HP:0011675.
Cardiovascular phenotype. Identifiers: MedGen CN230736.
Long QT syndrome (LQTS). Identifiers: MedGen C0023976, MeSH D008133, MONDO:0002442. Disease mechanism: loss of function. Inheritance: Various modes of inheritance.
Long QT syndrome 1 (LQT1). Identifiers: Orphanet 101016, Orphanet 768, MedGen C4551647, MONDO:0100316, OMIM 192500, MONDO:0008646.

Allele frequency attached by ClinVar (database versions not stated): TOPMed 0.00001.
gnomAD v4.1: 17 of 1,613,846 alleles (0.0011%); highest among the groups gnomAD compares: Middle Eastern, 0.049%; 1 homozygote.

Submissions (6):

GeneDx
Classification: Uncertain significance. Last evaluated: 2025-01-13. Review status: criteria provided, single submitter. Criteria: GeneDx Variant Classification Process June 2021. Collection method: clinical testing. Allele origin: germline. Affected: yes.
Comment: Not observed at significant frequency in large population cohorts (gnomAD); In silico analysis indicates that this missense variant does not alter protein structure/function; Identified in a cohort of individuals with long QT syndrome (LTQS) in published literature (PMID: 32893267); Published functional studies showed a shift in voltage dependence towards depolarized potentials compared to wild-type when heterozygous; however, further studies are required (PMID: 28491751); This variant is associated with the following publications: (PMID: 32893267, 37086329, 28491751)

Labcorp Genetics (formerly Invitae), Labcorp
Classification: Uncertain significance for Long QT syndrome. Last evaluated: 2025-01-06. Review status: criteria provided, single submitter. Criteria: Invitae Variant Classification Sherloc (09022015). Collection method: clinical testing. Allele origin: germline.
Comment: This sequence change replaces alanine, which is neutral and non-polar, with serine, which is neutral and polar, at codon 287 of the KCNQ1 protein (p.Ala287Ser). This variant is present in population databases (rs765665086, gnomAD 0.0009%). This variant has not been reported in the literature in individuals affected with KCNQ1-related conditions. ClinVar contains an entry for this variant (Variation ID: 926686). Invitae Evidence Modeling of protein sequence and biophysical properties (such as structural, functional, and spatial information, amino acid conservation, physicochemical variation, residue mobility, and thermodynamic stability) has been performed for this missense variant. However, the output from this modeling did not meet the statistical confidence thresholds required to predict the impact of this variant on KCNQ1 protein function. Experimental studies have shown that this missense change affects KCNQ1 function (PMID: 28491751). In summary, the available evidence is currently insufficient to determine the role of this variant in disease. Therefore, it has been classified as a Variant of Uncertain Significance.

All of Us Research Program, National Institutes of Health
Classification: Uncertain significance for Long QT syndrome. Last evaluated: 2024-03-24. Review status: criteria provided, single submitter. Criteria: ACMG Guidelines, 2015. Collection method: clinical testing. Allele origin: germline. Inheritance: Autosomal dominant inheritance. Observed: 2 variant alleles, 2 heterozygotes.
Comment: This missense variant replaces alanine with serine at codon 287 of the KCNQ1 protein. This variant is found within the highly conserved extracellular linker region (a.a. 283-299). Rare non-truncating variants in this region have been shown to be significantly overrepresented in individuals with long QT syndrome (PMID: 32893267). Computational prediction suggests that this variant may have deleterious impact on protein structure and function (internally defined REVEL score threshold >= 0.7, PMID: 27666373). To our knowledge, functional studies have not been reported for this variant. This variant has been reported in an individual affected with long QT syndrome (PMID: 32893267). This variant has been identified in 1/250332 chromosomes in the general population by the Genome Aggregation Database (gnomAD). The available evidence is insufficient to determine the role of this variant in disease conclusively. Therefore, this variant is classified as a Variant of Uncertain Significance.

This study involves interpretation of variants in research participants for the purpose of population health screening. Participant phenotype was not available at the time of variant classification. Additional details can be found in publication PMID: 35346344, PMCID: PMC8962531

Color Diagnostics, LLC DBA Color Health
Classification: Uncertain significance for Cardiac arrhythmia. Last evaluated: 2024-02-15. Review status: criteria provided, single submitter. Criteria: ACMG Guidelines, 2015. Collection method: clinical testing. Allele origin: germline.
Comment: This missense variant replaces alanine with serine at codon 287 of the KCNQ1 protein. This variant is found within the highly conserved extracellular linker region (a.a. 283-299). Rare non-truncating variants in this region have been shown to be significantly overrepresented in individuals with long QT syndrome (PMID: 32893267). Computational prediction suggests that this variant may have deleterious impact on protein structure and function (internally defined REVEL score threshold >= 0.7, PMID: 27666373). To our knowledge, functional studies have not been reported for this variant. This variant has been reported in an individual affected with long QT syndrome (PMID: 32893267). This variant has been identified in 1/250332 chromosomes in the general population by the Genome Aggregation Database (gnomAD). The available evidence is insufficient to determine the role of this variant in disease conclusively. Therefore, this variant is classified as a Variant of Uncertain Significance.

Ambry Genetics
Classification: Uncertain significance for Cardiovascular phenotype. Last evaluated: 2023-09-25. Review status: criteria provided, single submitter. Criteria: Ambry Variant Classification Scheme 2023. Collection method: clinical testing. Allele origin: germline.
Comment: The p.A287S variant (also known as c.859G>T), located in coding exon 6 of the KCNQ1 gene, results from a G to T substitution at nucleotide position 859. The alanine at codon 287 is replaced by serine, an amino acid with similar properties. This variant has been detected in an individual from a long QT syndrome cohort; however details were limited (Walsh R et al. Genet Med, 2021 Jan;23:47-58). One in vitro functional study indicated this variant may result in a gain of function effect; however, additional evidence is needed to confirm this finding (Rothenberg I et al. HeartRhythm Case Rep, 2016 Nov;2:521-529). This amino acid position is well conserved in available vertebrate species. In addition, this alteration is predicted to be deleterious by in silico analysis. Since supporting evidence is limited at this time, the clinical significance of this alteration remains unclear.

Molecular Genetics Laboratory - Cardiogenetics, CHU de Nantes
Classification: Uncertain significance for Long QT syndrome 1. Last evaluated: 2023-08-01. Review status: criteria provided, single submitter. Criteria: ACMG Guidelines, 2015. Collection method: clinical testing. Allele origin: germline. Affected: yes.

Literature cited by the submitters: PubMed 28491751 (cited by Labcorp Genetics (formerly Invitae), Labcorp and Ambry Genetics); PubMed 32893267 (cited by 3 submitters); PubMed 37086329 (cited by Ambry Genetics).